The following is an entry in ClinVar:

NM_032737.4(LMNB2):c.1515G>T (p.Arg505Ser)

Gene: LMNB2 (lamin B2; minus strand). Cytogenetic location: 19p13.3.
Variant type: single nucleotide variant.
Coding change: c.1515G>T on transcript NM_032737.4 (MANE Select); coding-DNA position 1515, G replaced by T.
Protein change: p.Arg505Ser; replaces arginine 505 with serine.
Molecular consequence: missense variant.
Genome position (GRCh38, 1-based): chr19:2,432,491, C>A on the plus strand (G>T on the coding strand, the complement: LMNB2 is on the minus strand). VCF-style: chr19-2432491-C-A. GRCh37 (hg19) VCF-style: chr19-2432489-C-A.
Other names: short protein forms R505S.
Identifiers: ClinVar variation 1401341 (VCV001401341.8), dbSNP rs1971753890, ClinGen allele CA403250330.

ClinVar aggregate classification (germline): Uncertain significance (1 of 4 stars; one submission).

Conditions:
Progressive myoclonic epilepsy type 9. Identifiers: Orphanet 457265, MedGen C4225289, MONDO:0014685, OMIM 616540.
Lipodystrophy, partial, acquired, susceptibility to (APLD). Also called: APLD, SUSCEPTIBILITY TO. Identifiers: MedGen C3887501, MONDO:0100476, OMIM 608709.

Allele frequency attached by ClinVar (database versions not stated): TOPMed below 0.00001; gnomAD 0.00001.
gnomAD v4.1: 1 of 1,613,800 alleles (0.000062%); highest among the groups gnomAD compares: Non-Finnish European, 0.000085%; no homozygotes.

Submission:

Labcorp Genetics (formerly Invitae), Labcorp
Classification: Uncertain significance for Progressive myoclonic epilepsy type 9; Lipodystrophy, partial, acquired, susceptibility to. Last evaluated: 2022-08-09. Review status: criteria provided, single submitter. Criteria: Invitae Variant Classification Sherloc (09022015). Collection method: clinical testing. Allele origin: germline.
Comment: ClinVar contains an entry for this variant (Variation ID: 1401341). In summary, the available evidence is currently insufficient to determine the role of this variant in disease. Therefore, it has been classified as a Variant of Uncertain Significance. Algorithms developed to predict the effect of missense changes on protein structure and function (SIFT, PolyPhen-2, Align-GVGD) all suggest that this variant is likely to be disruptive. This variant has not been reported in the literature in individuals affected with LMNB2-related conditions. This variant is not present in population databases (gnomAD no frequency). This sequence change replaces arginine, which is basic and polar, with serine, which is neutral and polar, at codon 505 of the LMNB2 protein (p.Arg505Ser).